The following is an entry in ClinVar:

ClinVar aggregate classification (germline): Pathogenic (1 of 4 stars; one submission).

Conditions:
Neurofibromatosis, type 1 (NF1). Also called: NEUROFIBROMATOSIS, TYPE I, SOMATIC; Neurofibromatosis, type I; Peripheral type neurofibromatosis; VON RECKLINGHAUSEN DISEASE. Identifiers: Orphanet 636, MedGen C0027831, MONDO:0018975, OMIM 162200. Disease mechanism: loss of function.

Submission:

Labcorp Genetics (formerly Invitae), Labcorp
Classification: Pathogenic for Neurofibromatosis, type 1. Last evaluated: 2022-07-25. Review status: criteria provided, single submitter. Criteria: Invitae Variant Classification Sherloc (09022015). Collection method: clinical testing. Allele origin: germline.
Comment: This sequence change creates a premature translational stop signal (p.Tyr2063*) in the NF1 gene. It is expected to result in an absent or disrupted protein product. Loss-of-function variants in NF1 are known to be pathogenic (PMID: 10712197, 23913538). This variant is not present in population databases (gnomAD no frequency). This variant has not been reported in the literature in individuals affected with NF1-related conditions. For these reasons, this variant has been classified as Pathogenic.

Literature cited by the submitters: PubMed 10712197; PubMed 23913538.

NM_001042492.3(NF1):c.6252C>G (p.Tyr2084Ter)

Gene: NF1 (neurofibromin 1; plus strand). Cytogenetic location: 17q11.2.
Variant type: single nucleotide variant.
Coding change: c.6252C>G on transcript NM_001042492.3 (MANE Select); coding-DNA position 6252, C replaced by G.
Protein change: p.Tyr2084Ter; replaces tyrosine 2084 with a stop codon.
Molecular consequence: nonsense.
Genome position (GRCh38, 1-based): chr17:31,336,739, C>G. VCF-style: chr17-31336739-C-G. GRCh37 (hg19) VCF-style: chr17-29663757-C-G.
Other names: c.6189C>G, p.Tyr2063Ter (NM_000267.4); short protein forms Y2063*, Y2084*.
Identifiers: ClinVar variation 2019177 (VCV002019177.4), dbSNP rs2069684411, ClinGen allele CA399012135.